The following is an entry in ClinVar:

ClinVar aggregate classification (germline): Likely benign. Review status: criteria provided, multiple submitters, no conflicts (2 of 4 stars). 4 submissions from 4 submitters: Likely benign (3). 1 of the submissions does not count toward it. Last evaluated 2025-12-17.

Conditions:
NAXD-related disorder. Also called: NAXD-related condition.

Allele frequency attached by ClinVar (database versions not stated): ESP Exome Variant Server 0.00023; 1000 Genomes Project 30x 0.00031; ExAC 0.00050; gnomAD 0.00054 and 0.00057; gnomAD exomes 0.00061 and 0.00064; TOPMed 0.00077.
gnomAD v4.1: 1,020 of 1,613,420 alleles (0.063%); highest among the groups gnomAD compares: Middle Eastern, 0.49%; 1 homozygote.

Submissions (4):

Labcorp Genetics (formerly Invitae), Labcorp
Classification: Likely benign. Last evaluated: 2025-12-17. Review status: criteria provided, single submitter. Criteria: Invitae Variant Classification Sherloc (09022015). Collection method: clinical testing. Allele origin: germline.

CeGaT Center for Human Genetics Tuebingen
Classification: Likely benign. Last evaluated: 2023-03-01. Review status: criteria provided, single submitter. Criteria: CeGaT Center For Human Genetics Tuebingen Variant Classification Criteria Version 2. Collection method: clinical testing. Allele origin: germline. Affected: yes. Observed: 1 variant allele.
Comment: NAXD: BP4

Breakthrough Genomics
Classification: Likely benign. Review status: criteria provided, single submitter. Criteria: ACMG Guidelines, 2015. Collection method: not provided. Allele origin: germline. Inheritance: Autosomal recessive inheritance. Affected: yes.

PreventionGenetics, part of Exact Sciences
Classification: Likely benign for NAXD-related condition. Last evaluated: 2022-10-28. Review status: no assertion criteria provided. Collection method: clinical testing. Allele origin: germline. Not counted in ClinVar's aggregate classification.
Comment: This variant is classified as likely benign based on ACMG/AMP sequence variant interpretation guidelines (Richards et al. 2015 PMID: 25741868, with internal and published modifications).

NM_001242882.2(NAXD):c.918C>T (p.His306=)

Gene: NAXD (NAD(P)HX dehydratase; plus strand). Cytogenetic location: 13q34.
Variant type: single nucleotide variant.
Coding change: c.918C>T on transcript NM_001242882.2 (MANE Select); coding-DNA position 918, C replaced by T.
Protein change: p.His306=; no amino-acid change (histidine 306 retained).
Molecular consequence: synonymous variant. On other transcripts: missense variant (1), non-coding transcript variant (2).
Genome position (GRCh38, 1-based): chr13:110,638,456, C>T. VCF-style: chr13-110638456-C-T. GRCh37 (hg19) VCF-style: chr13-111290803-C-T.
Other names: c.972C>T, p.His324= (NM_001242881.2); c.642C>T, p.His214= (NM_001242883.2); c.1108C>T, p.Arg370Trp (NM_018210.4); c.1108C>T (NM_018210.3); short protein forms R370W.
Identifiers: ClinVar variation 1597194 (VCV001597194.38), dbSNP rs145151789, ClinGen allele CA7051455.
Genomic context (GRCh38, chr13:110,638,456, plus strand): 5'-GGCCGCGTTTGGCGCCTGCTCTCTCACCAGGCAGTGCAACCACCAAGCCTTCCAGAAGCA[C>T]GGTCGCTCCACCACCACCTCCGACATGATCGCCGAGGTGGGGGCCGCCTTCAGCAAGCTC-3'
Protein context (NP_001229811.1, residues 296-316): RQCNHQAFQK[His306=]GRSTTTSDMI